The following is an entry in ClinVar:

NM_004380.3(CREBBP):c.5786C>A (p.Pro1929His)

Gene: CREBBP (CREB binding lysine acetyltransferase; minus strand). Cytogenetic location: 16p13.3.
Variant type: single nucleotide variant.
Coding change: c.5786C>A on transcript NM_004380.3 (MANE Select); coding-DNA position 5786, C replaced by A.
Protein change: p.Pro1929His; replaces proline 1929 with histidine.
Molecular consequence: missense variant.
Genome position (GRCh38, 1-based): chr16:3,729,261, G>T on the plus strand (C>A on the coding strand, the complement: CREBBP is on the minus strand). VCF-style: chr16-3729261-G-T. GRCh37 (hg19) VCF-style: chr16-3779262-G-T.
Other names: c.5672C>A, p.Pro1891His (NM_001079846.1); short protein forms P1891H, P1929H.
Identifiers: ClinVar variation 2646131 (VCV002646131.24), dbSNP rs2151308264, ClinGen allele CA394555513.
Genomic context (GRCh38, chr16:3,729,261, plus strand): 5'-GCCGGGGGTGGGGGGGCCGGCACCTGGCTGGTAGGCTTCCCTGTGGACACCGTGGTGGGG[G>T]GCTGAGTCCGGGCCACGCTGGGGAAGCCAGCTGGTGACATGCTCACGGGTGAGGGTTGGG-3'
Protein context (NP_004371.2, residues 1919-1939): AGFPSVARTQ[Pro1929His]PTTVSTGKPT

ClinVar aggregate classification (germline): Uncertain significance (1 of 4 stars; one submission).

Submission:

CeGaT Center for Human Genetics Tuebingen
Classification: Uncertain significance. Last evaluated: 2022-07-01. Review status: criteria provided, single submitter. Criteria: CeGaT Center For Human Genetics Tuebingen Variant Classification Criteria Version 2. Collection method: clinical testing. Allele origin: germline. Affected: yes. Observed: 1 variant allele.
Comment: CREBBP: PM2, PP2